The following is an entry in ClinVar:

NM_001378452.1(ITPR1):c.4483A>T (p.Ile1495Phe)

Gene: ITPR1 (inositol 1,4,5-trisphosphate receptor type 1; plus strand). Cytogenetic location: 3p26.1.
Variant type: single nucleotide variant.
Coding change: c.4483A>T on transcript NM_001378452.1 (MANE Select); coding-DNA position 4483, A replaced by T.
Protein change: p.Ile1495Phe; replaces isoleucine 1495 with phenylalanine.
Molecular consequence: missense variant.
Genome position (GRCh38, 1-based): chr3:4,699,888, A>T. VCF-style: chr3-4699888-A-T. GRCh37 (hg19) VCF-style: chr3-4741572-A-T.
Other names: c.4456A>T, p.Ile1486Phe (NM_001099952.4); c.4438A>T, p.Ile1480Phe (NM_001168272.2); c.4411A>T, p.Ile1471Phe (NM_002222.7); short protein forms I1471F, I1495F, I1486F, I1480F.
Identifiers: ClinVar variation 1917125 (VCV001917125.5), dbSNP rs769648295, ClinGen allele CA351633206.
Genomic context (GRCh38, chr3:4,699,888, plus strand): 5'-AGTGACAGGAAACATGCAGACTCGATTTTGGAGAAGTATGTCACCGAAATCGTCATGAGT[A>T]TTGTTACTACTTTCTTCAGCTCTCCCTTCTCAGACCAGAGTACGACTTTGCAGGTAAGAA-3'
Protein context (NP_001365381.1, residues 1485-1505): EKYVTEIVMS[Ile1495Phe]VTTFFSSPFS

ClinVar aggregate classification (germline): Uncertain significance (1 of 4 stars; one submission).

Submission:

Labcorp Genetics (formerly Invitae), Labcorp
Classification: Uncertain significance. Last evaluated: 2024-10-22. Review status: criteria provided, single submitter. Criteria: Invitae Variant Classification Sherloc (09022015). Collection method: clinical testing. Allele origin: germline.
Comment: This sequence change replaces isoleucine, which is neutral and non-polar, with phenylalanine, which is neutral and non-polar, at codon 1471 of the ITPR1 protein (p.Ile1471Phe). This variant is not present in population databases (gnomAD no frequency). This variant has not been reported in the literature in individuals affected with ITPR1-related conditions. ClinVar contains an entry for this variant (Variation ID: 1917125). Invitae Evidence Modeling of protein sequence and biophysical properties (such as structural, functional, and spatial information, amino acid conservation, physicochemical variation, residue mobility, and thermodynamic stability) indicates that this missense variant is not expected to disrupt ITPR1 protein function with a negative predictive value of 80%. In summary, the available evidence is currently insufficient to determine the role of this variant in disease. Therefore, it has been classified as a Variant of Uncertain Significance.